The following is an entry in ClinVar:

ClinVar aggregate classification (germline): Uncertain significance (1 of 4 stars; one submission).

Allele frequency attached by ClinVar (database versions not stated): TOPMed 0.00001; gnomAD 0.00002; 1000 Genomes Project 30x 0.00031.
gnomAD v4.1: 6 of 1,545,506 alleles (0.00039%); highest among the groups gnomAD compares: African/African-American, 0.0027%; no homozygotes.

Submission:

Labcorp Genetics (formerly Invitae), Labcorp
Classification: Uncertain significance. Last evaluated: 2022-07-02. Review status: criteria provided, single submitter. Criteria: Invitae Variant Classification Sherloc (09022015). Collection method: clinical testing. Allele origin: germline.
Comment: In summary, the available evidence is currently insufficient to determine the role of this variant in disease. Therefore, it has been classified as a Variant of Uncertain Significance. Advanced modeling of protein sequence and biophysical properties (such as structural, functional, and spatial information, amino acid conservation, physicochemical variation, residue mobility, and thermodynamic stability) performed at Invitae indicates that this missense variant is not expected to disrupt NEFH protein function. This variant has not been reported in the literature in individuals affected with NEFH-related conditions. The frequency data for this variant in the population databases is considered unreliable, as metrics indicate poor data quality at this position in the gnomAD database. This sequence change replaces alanine, which is neutral and non-polar, with valine, which is neutral and non-polar, at codon 137 of the NEFH protein (p.Ala137Val).

NM_021076.4(NEFH):c.410C>T (p.Ala137Val)

Gene: NEFH (neurofilament heavy chain; plus strand). Cytogenetic location: 22q12.2.
Variant type: single nucleotide variant.
Coding change: c.410C>T on transcript NM_021076.4 (MANE Select); coding-DNA position 410, C replaced by T.
Protein change: p.Ala137Val; replaces alanine 137 with valine.
Molecular consequence: missense variant.
Genome position (GRCh38, 1-based): chr22:29,480,672, C>T. VCF-style: chr22-29480672-C-T. GRCh37 (hg19) VCF-style: chr22-29876661-C-T.
Other names: short protein forms A137V.
Identifiers: ClinVar variation 1916695 (VCV001916695.5), dbSNP rs778632217, ClinGen allele CA10174011.
Genomic context (GRCh38, chr22:29,480,672, plus strand): 5'-AGCTGGAGGCGCACAACCGCAGCCTGGAGGGCGAGGCTGCGGCGCTGCGGCAGCAGCAGG[C>T]GGGCCGCTCCGCTATGGGCGAGCTGTACGAGCGCGAGGTCCGCGAGATGCGCGGCGCGGT-3'
Protein context (NP_066554.2, residues 127-147): GEAAALRQQQ[Ala137Val]GRSAMGELYE